The following is an entry in ClinVar:

NM_017617.5(NOTCH1):c.6313A>G (p.Met2105Val)

Gene: NOTCH1 (notch receptor 1; minus strand). Cytogenetic location: 9q34.3.
Variant type: single nucleotide variant.
Coding change: c.6313A>G on transcript NM_017617.5 (MANE Select); coding-DNA position 6313, A replaced by G.
Protein change: p.Met2105Val; replaces methionine 2105 with valine.
Molecular consequence: missense variant.
Genome position (GRCh38, 1-based): chr9:136,497,426, T>C on the plus strand (A>G on the coding strand, the complement: NOTCH1 is on the minus strand). VCF-style: chr9-136497426-T-C. GRCh37 (hg19) VCF-style: chr9-139391878-T-C.
Other names: c.6313A>G, p.Met2105Val (LRG_1122t1); short protein forms M2105V.
Identifiers: ClinVar variation 575597 (VCV000575597.12), dbSNP rs748138179, ClinGen allele CA5339938.
Genomic context (GRCh38, chr9:136,497,426, plus strand): 5'-GCAGCTGCGGGCTGCGCACCAGGTTGTACTCGTCCAGCAGCCTCACGATGTCGTGATGCA[T>C]GCGCTCCTGTGCGATGTCGCGCGGCAGGCGGTCCATATGATCCGTGATGTCCCGGTTGGC-3'
Protein context (NP_060087.3, residues 2095-2115): RLPRDIAQER[Met2105Val]HHDIVRLLDE

ClinVar aggregate classification (germline): Conflicting classifications of pathogenicity. Review status: criteria provided, conflicting classifications (1 of 4 stars). 3 submissions from 3 submitters: Uncertain significance (2); Benign (1). Last evaluated 2025-08-11.

Conditions:
Adams-Oliver syndrome 5 (AOS5). Identifiers: Orphanet 974, MedGen C4014970, MONDO:0014459, OMIM 616028.
Familial thoracic aortic aneurysm and aortic dissection (TAAD). Also called: Thoracic aortic aneurysms and dissections. Identifiers: Orphanet 91387, MedGen C4707243, MONDO:0019625.

Allele frequency attached by ClinVar (database versions not stated): ExAC 0.00001; gnomAD exomes 0.00001; TOPMed 0.00002; gnomAD 0.00003.
gnomAD v4.1: 32 of 1,611,944 alleles (0.002%); highest among the groups gnomAD compares: African/African-American, 0.0027%; no homozygotes.

Submissions (3):

Labcorp Genetics (formerly Invitae), Labcorp
Classification: Benign for Adams-Oliver syndrome 5. Last evaluated: 2025-08-11. Review status: criteria provided, single submitter. Criteria: Invitae Variant Classification Sherloc (09022015). Collection method: clinical testing. Allele origin: germline.

Ambry Genetics
Classification: Uncertain significance for Familial thoracic aortic aneurysm and aortic dissection. Last evaluated: 2024-04-19. Review status: criteria provided, single submitter. Criteria: Ambry Variant Classification Scheme 2023. Collection method: clinical testing. Allele origin: germline.
Comment: The p.M2105V variant (also known as c.6313A>G), located in coding exon 34 of the NOTCH1 gene, results from an A to G substitution at nucleotide position 6313. The methionine at codon 2105 is replaced by valine, an amino acid with highly similar properties. This amino acid position is conserved. In addition, this alteration is predicted to be tolerated by in silico analysis. Since supporting evidence is limited at this time, the clinical significance of this alteration remains unclear.

GeneDx
Classification: Uncertain significance. Last evaluated: 2023-03-13. Review status: criteria provided, single submitter. Criteria: GeneDx Variant Classification Process June 2021. Collection method: clinical testing. Allele origin: germline. Affected: yes.
Comment: Has not been previously published as pathogenic or benign to our knowledge; Not observed at significant frequency in large population cohorts (gnomAD); In silico analysis supports that this missense variant has a deleterious effect on protein structure/function